The following is an entry in ClinVar:

NM_001918.5(DBT):c.29G>A (p.Trp10Ter)

Gene: DBT (dihydrolipoamide branched chain transacylase E2; minus strand). Cytogenetic location: 1p21.2.
Variant type: single nucleotide variant.
Coding change: c.29G>A on transcript NM_001918.5 (MANE Select); coding-DNA position 29, G replaced by A.
Protein change: p.Trp10Ter; replaces tryptophan 10 with a stop codon.
Molecular consequence: nonsense.
Genome position (GRCh38, 1-based): chr1:100,249,792, C>T on the plus strand (G>A on the coding strand, the complement: DBT is on the minus strand). VCF-style: chr1-100249792-C-T. GRCh37 (hg19) VCF-style: chr1-100715348-C-T.
Other names: short protein forms W10*.
Identifiers: ClinVar variation 1395522 (VCV001395522.7), dbSNP rs572340170, ClinGen allele CA969861.
Genomic context (GRCh38, chr1:100,249,792, plus strand): 5'-ACTCCTTCCCGGCCTCAGATCTGCCCAAACGTGCTTACCAGCTTCCCCGCATTCCTGCTC[C>T]AGGTTCTCAGCATACGGACTGCAGCCATCTTACCCCGGAAATGACAACAGTGCCGCAAAC-3'

ClinVar aggregate classification (germline): Pathogenic/Likely pathogenic. Review status: criteria provided, multiple submitters, no conflicts (2 of 4 stars). 2 submissions from 2 submitters: Pathogenic (1); Likely pathogenic (1). Last evaluated 2023-03-22.

Conditions:
Maple syrup urine disease (MSUD). Identifiers: Orphanet 511, MedGen C0024776, MeSH D008375, MONDO:0009563. Disease mechanism: loss of function.

Allele frequency attached by ClinVar (database versions not stated): gnomAD exomes below 0.00001; ExAC 0.00001.
gnomAD v4.1: 1 of 1,614,222 alleles (0.000062%); highest among the groups gnomAD compares: Non-Finnish European, 0.000085%; no homozygotes.

Submissions (2):

Baylor Genetics
Classification: Likely pathogenic for Maple syrup urine disease type 1A. Last evaluated: 2023-03-22. Review status: criteria provided, single submitter. Criteria: ACMG Guidelines, 2015. Collection method: clinical testing. Allele origin: unknown.

Labcorp Genetics (formerly Invitae), Labcorp
Classification: Pathogenic for Maple syrup urine disease. Last evaluated: 2021-03-23. Review status: criteria provided, single submitter. Criteria: Invitae Variant Classification Sherloc (09022015). Collection method: clinical testing. Allele origin: germline.
Comment: For these reasons, this variant has been classified as Pathogenic. This variant has not been reported in the literature in individuals with DBT-related conditions. This variant is present in population databases (rs572340170, ExAC 0.001%). This sequence change creates a premature translational stop signal (p.Trp10*) in the DBT gene. It is expected to result in an absent or disrupted protein product. Loss-of-function variants in DBT are known to be pathogenic (PMID: 16579849, 16786533).

Literature cited by the submitters: PubMed 16579849 (cited by Labcorp Genetics (formerly Invitae), Labcorp); PubMed 16786533 (cited by Labcorp Genetics (formerly Invitae), Labcorp).